The following is an entry in ClinVar:

ClinVar aggregate classification (germline): Uncertain significance (1 of 4 stars; one submission).

Submission:

Labcorp Genetics (formerly Invitae), Labcorp
Classification: Uncertain significance. Last evaluated: 2024-09-10. Review status: criteria provided, single submitter. Criteria: Invitae Variant Classification Sherloc (09022015). Collection method: clinical testing. Allele origin: germline.
Comment: This sequence change replaces leucine, which is neutral and non-polar, with phenylalanine, which is neutral and non-polar, at codon 160 of the RNF31 protein (p.Leu160Phe). This variant is not present in population databases (gnomAD no frequency). This variant has not been reported in the literature in individuals affected with RNF31-related conditions. An algorithm developed to predict the effect of missense changes on protein structure and function (PolyPhen-2) suggests that this variant is likely to be tolerated. In summary, the available evidence is currently insufficient to determine the role of this variant in disease. Therefore, it has been classified as a Variant of Uncertain Significance.

NM_017999.5(RNF31):c.478C>T (p.Leu160Phe)

Gene: RNF31 (ring finger protein 31; plus strand). Cytogenetic location: 14q12.
Variant type: single nucleotide variant.
Coding change: c.478C>T on transcript NM_017999.5 (MANE Select); coding-DNA position 478, C replaced by T.
Protein change: p.Leu160Phe; replaces leucine 160 with phenylalanine.
Molecular consequence: missense variant. On other transcripts: 5 prime UTR variant (1).
Genome position (GRCh38, 1-based): chr14:24,148,396, C>T. VCF-style: chr14-24148396-C-T. GRCh37 (hg19) VCF-style: chr14-24617605-C-T.
Other names: c.-40C>T (NM_001310332.2); short protein forms L160F.
Identifiers: ClinVar variation 3730008 (VCV003730008.2).